The following is an entry in ClinVar:

NM_174936.4(PCSK9):c.1359G>C (p.Trp453Cys)

Gene: PCSK9 (proprotein convertase subtilisin/kexin type 9; plus strand). Cytogenetic location: 1p32.3.
Variant type: single nucleotide variant.
Coding change: c.1359G>C on transcript NM_174936.4 (MANE Select); coding-DNA position 1359, G replaced by C.
Protein change: p.Trp453Cys; replaces tryptophan 453 with cysteine.
Molecular consequence: missense variant. On other transcripts: non-coding transcript variant (8), intron variant (1).
Genome position (GRCh38, 1-based): chr1:55,058,503, G>C. VCF-style: chr1-55058503-G-C. GRCh37 (hg19) VCF-style: chr1-55524176-G-C.
Other names: c.1482G>C, p.Trp494Cys (NM_001407240.1); c.1359G>C, p.Trp453Cys (NM_001407241.1); c.1362G>C, p.Trp454Cys (NM_001407242.1); c.1302G>C, p.Trp434Cys (NM_001407243.1); c.1185G>C, p.Trp395Cys (NM_001407244.1); c.1167G>C, p.Trp389Cys (NM_001407245.1); c.984G>C, p.Trp328Cys (NM_001407246.1); c.1180+989G>C (NM_001407247.1); short protein forms W453C, W328C, W434C, W389C, W395C, W454C, W494C.
Identifiers: ClinVar variation 2774058 (VCV002774058.3), dbSNP rs2523262734, ClinGen allele CA340478481.

ClinVar aggregate classification (germline): Uncertain significance. Review status: criteria provided, single submitter (1 of 4 stars). 2 submissions from 2 submitters: Uncertain significance (1). 1 of the submissions does not count toward it. Last evaluated 2024-03-06.

Conditions:
Hypercholesterolemia, autosomal dominant, 3 (FHCL3). Also called: Familial Hypercholesterolemia, Autosomal Dominant, 3; PCSK9-Related Familial Hypercholesterolemia, Autosomal Dominant; Familial hypercholesterolemia 3. Identifiers: MedGen C1863551, MONDO:0011369, OMIM 603776.
Familial hypercholesterolemia. Also called: Familial hypercholesterolemias; Familial hypercholesterolaemia. Identifiers: MedGen C0020445, MONDO:0005439.

gnomAD v4.1: 13 of 1,612,162 alleles (0.00081%); highest among the groups gnomAD compares: Non-Finnish European, 0.001%; no homozygotes.

Submissions (2):

Color Diagnostics, LLC DBA Color Health
Classification: Uncertain significance for Familial hypercholesterolemia. Last evaluated: 2024-03-06. Review status: criteria provided, single submitter. Criteria: ACMG Guidelines, 2015. Collection method: clinical testing. Allele origin: germline.
Comment: This missense variant replaces tryptophan with cysteine at codon 453 of the PCSK9 protein. Computational prediction suggests that this variant may not impact protein structure and function (internally defined REVEL score threshold <= 0.5, PMID: 27666373). To our knowledge, functional studies have not been reported for this variant. This variant has not been reported in individuals affected with familial hypercholesterolemia in the literature. This variant has not been identified in the general population by the Genome Aggregation Database (gnomAD). The available evidence is insufficient to determine the role of this variant in disease conclusively. Therefore, this variant is classified as a Variant of Uncertain Significance.

Cardiovascular Genetics Laboratory, PathWest Laboratory Medicine WA - Fiona Stanley Hospital
Classification: Uncertain significance for Hypercholesterolemia, autosomal dominant, 3. Last evaluated: 2023-09-11. Review status: no assertion criteria provided. Criteria: ACMG Guidelines, 2015. Collection method: clinical testing. Allele origin: germline. Not counted in ClinVar's aggregate classification.